The following is an entry in ClinVar:

ClinVar aggregate classification (germline): Uncertain significance. Review status: criteria provided, multiple submitters, no conflicts (2 of 4 stars). 3 submissions from 3 submitters: Uncertain significance (3). Last evaluated 2026-01-26.

Conditions:
Inborn genetic diseases. Identifiers: MedGen C0950123, MeSH D030342.
Retinal cone dystrophy 4 (RCD4). Identifiers: Orphanet 1872, MedGen C1864849, MONDO:0012507, OMIM 610478.

Allele frequency attached by ClinVar (database versions not stated): gnomAD exomes below 0.00001; gnomAD 0.00001 and 0.00002; TOPMed 0.00001.
gnomAD v4.1: 6 of 1,586,882 alleles (0.00038%); highest among the groups gnomAD compares: African/African-American, 0.0014%; no homozygotes.

Submissions (3):

Labcorp Genetics (formerly Invitae), Labcorp
Classification: Uncertain significance. Last evaluated: 2026-01-26. Review status: criteria provided, single submitter. Criteria: Invitae Variant Classification Sherloc (09022015). Collection method: clinical testing. Allele origin: germline.
Comment: This sequence change replaces valine, which is neutral and non-polar, with glutamic acid, which is acidic and polar, at codon 928 of the CACNA2D4 protein (p.Val928Glu). The frequency data for this variant in the population databases is considered unreliable, as metrics indicate poor data quality at this position in the gnomAD database. This variant has not been reported in the literature in individuals affected with CACNA2D4-related conditions. ClinVar contains an entry for this variant (Variation ID: 307841). An algorithm developed to predict the effect of missense changes on protein structure and function (PolyPhen-2) suggests that this variant is likely to be tolerated. In summary, the available evidence is currently insufficient to determine the role of this variant in disease. Therefore, it has been classified as a Variant of Uncertain Significance.

Ambry Genetics
Classification: Uncertain significance for Inborn genetic diseases. Last evaluated: 2025-03-27. Review status: criteria provided, single submitter. Criteria: Ambry Variant Classification Scheme 2023. Collection method: clinical testing. Allele origin: germline.

Illumina Laboratory Services, Illumina
Classification: Uncertain significance for Retinal cone dystrophy 4. Last evaluated: 2018-01-13. Review status: criteria provided, single submitter. Criteria: ICSL Variant Classification Criteria 13 December 2019. Collection method: clinical testing. Allele origin: germline.

NM_172364.5(CACNA2D4):c.2783T>A (p.Val928Glu)

Gene: CACNA2D4 (calcium voltage-gated channel auxiliary subunit alpha2delta 4; minus strand). Cytogenetic location: 12p13.33.
Variant type: single nucleotide variant.
Coding change: c.2783T>A on transcript NM_172364.5 (MANE Select); coding-DNA position 2783, T replaced by A.
Protein change: p.Val928Glu; replaces valine 928 with glutamic acid.
Molecular consequence: missense variant.
Genome position (GRCh38, 1-based): chr12:1,801,583, A>T on the plus strand (T>A on the coding strand, the complement: CACNA2D4 is on the minus strand). VCF-style: chr12-1801583-A-T. GRCh37 (hg19) VCF-style: chr12-1910749-A-T.
Other names: short protein forms V928E.
Identifiers: ClinVar variation 307841 (VCV000307841.13), dbSNP rs886049125, ClinGen allele CA10641487.